The following is an entry in ClinVar:

NM_000080.4(CHRNE):c.500G>T (p.Arg167Leu)

Genes: C17orf107 (chromosome 17 open reading frame 107; plus strand), CHRNE (cholinergic receptor nicotinic epsilon subunit; minus strand). Cytogenetic location: 17p13.2.
Variant type: single nucleotide variant.
Coding change: c.500G>T on transcript NM_000080.4 (MANE Select); coding-DNA position 500, G replaced by T.
Protein change: p.Arg167Leu; replaces arginine 167 with leucine.
Molecular consequence: missense variant. On other transcripts: 3 prime UTR variant (1).
Genome position (GRCh38, 1-based): chr17:4,901,932, C>A on the plus strand (G>T on the coding strand, the complement: CHRNE is on the minus strand). VCF-style: chr17-4901932-C-A. GRCh37 (hg19) VCF-style: chr17-4805227-C-A.
Other names: R147L; c.*1399C>A (NM_001145536.2); short protein forms R167L.
Identifiers: ClinVar variation 18345 (VCV000018345.16), dbSNP rs121909514, ClinGen allele CA258173.
Genomic context (GRCh38, chr17:4,901,932, plus strand): 5'-CCGCCCCATAAGGCCCCCCCCCAACAATAATCGTCCGGGCCTCGGAGTAGCTCTTCCCAC[C>A]GGAAAATAAGCGAACAGTTCTGCCAATCGAAGGGGAAGTAGGTGACCTCCACTGCGCAGA-3'
Protein context (NP_000071.1, residues 157-177): FDWQNCSLIF[Arg167Leu]SQTYNAEEVE

ClinVar aggregate classification (germline): Pathogenic/Likely pathogenic. Review status: criteria provided, multiple submitters, no conflicts (2 of 4 stars). 6 submissions from 6 submitters: Pathogenic (2); Likely pathogenic (3). 1 of the submissions does not count toward it. Last evaluated 2025-11-19.

Conditions:
Congenital myasthenic syndrome 4A. Also called: CONGENITAL MYASTHENIC SYNDROME TYPE Ia1; Myasthenic syndrome, congenital, 4a, slow-channel; MYASTHENIC SYNDROME, CONGENITAL, 4A, SLOW-CHANNEL, AUTOSOMAL RECESSIVE. Identifiers: Orphanet 590, MedGen C4225413, MONDO:0011600, OMIM 605809.
Congenital myasthenic syndrome 4B. Also called: Myasthenic syndrome, congenital, 4b, fast-channel. Identifiers: Orphanet 590, MedGen C4225369, MONDO:0014586, OMIM 616324.
Congenital myasthenic syndrome 4C (CMS4C). Also called: Myasthenic syndrome, congenital, associated with acetylcholine receptor deficiency. Identifiers: Orphanet 590, MedGen C1837091, MONDO:0012157, OMIM 608931.
Congenital myasthenic syndrome (CMS). Also called: Congenital Myasthenic Syndromes. Identifiers: Orphanet 590, MedGen C0751882, MeSH D020294, MONDO:0018940.

Allele frequency attached by ClinVar (database versions not stated): gnomAD 0.00001; TOPMed 0.00001.
gnomAD v4.1: 5 of 1,613,286 alleles (0.00031%); highest among the groups gnomAD compares: South Asian, 0.0011%; no homozygotes.

Submissions (6):

Labcorp Genetics (formerly Invitae), Labcorp
Classification: Pathogenic for Congenital myasthenic syndrome 4A. Last evaluated: 2025-11-19. Review status: criteria provided, single submitter. Criteria: Invitae Variant Classification Sherloc (09022015). Collection method: clinical testing. Allele origin: germline.
Comment: This sequence change replaces arginine, which is basic and polar, with leucine, which is neutral and non-polar, at codon 167 of the CHRNE protein (p.Arg167Leu). This variant also falls at the last nucleotide of exon 5, which is part of the consensus splice site for this exon. This variant is not present in population databases (gnomAD no frequency). This missense change has been observed in individual(s) with autosomal recessive congenital myasthenic syndrome (PMID: 9158150). In at least one individual the data is consistent with being in trans (on the opposite chromosome) from a pathogenic variant. It has also been observed to segregate with disease in related individuals. ClinVar contains an entry for this variant (Variation ID: 18345). An algorithm developed to predict the effect of missense changes on protein structure and function (PolyPhen-2) suggests that this variant is likely to be disruptive. Experimental studies have shown that this missense change affects CHRNE function (PMID: 9158150). Variants that disrupt the consensus splice site are a relatively common cause of aberrant splicing (PMID: 17576681, 9536098). Algorithms developed to predict the effect of sequence changes on RNA splicing suggest that this variant may disrupt the consensus splice site. For these reasons, this variant has been classified as Pathogenic.

Natera, Inc.
Classification: Likely pathogenic for Congenital myasthenic syndrome. Last evaluated: 2025-05-01. Review status: criteria provided, single submitter. Criteria: Natera Variant Classification Schema (03/2026). Collection method: clinical testing. Allele origin: germline.
Comment: The c.500G>T variant in CHRNE is a missense variant predicted to cause substitution of arginine to leucine at amino acid 167. This variant is rare in the general population with a frequency below the threshold expected for the associated phenotype(s). This variant has been observed in one or more individuals affected with the associated recessive disease, as either homozygous or compound heterozygous with a second variant (PMID: 9158150). Additionally, this variant has been observed to segregate in affected family members (PMID: 9158150). Computational prediction algorithms indicate this variant is likely to affect gene or protein function. Given the available evidence, this variant is classified as Likely Pathogenic.

Fulgent Genetics
Classification: Likely pathogenic for Congenital myasthenic syndrome 4A; Congenital myasthenic syndrome 4C; Congenital myasthenic syndrome 4B. Last evaluated: 2024-05-14. Review status: criteria provided, single submitter. Criteria: ACMG Guidelines, 2015. Collection method: clinical testing. Allele origin: germline.

Baylor Genetics
Classification: Likely pathogenic for Congenital myasthenic syndrome 4A. Last evaluated: 2024-01-18. Review status: criteria provided, single submitter. Criteria: ACMG Guidelines, 2015. Collection method: clinical testing. Allele origin: unknown.

GeneDx
Classification: Pathogenic. Last evaluated: 2022-12-02. Review status: criteria provided, single submitter. Criteria: GeneDx Variant Classification Process June 2021. Collection method: clinical testing. Allele origin: germline. Affected: yes.
Comment: Published functional studies demonstrate significantly reduced surface expression of the acetylcholine receptors (Ohno et al., 1997); Not observed at significant frequency in large population cohorts (gnomAD); In silico analysis supports a deleterious effect on splicing; This variant is associated with the following publications: (PMID: 9158150)

OMIM
Classification: Pathogenic for MYASTHENIC SYNDROME, CONGENITAL, 4C, ASSOCIATED WITH ACETYLCHOLINE RECEPTOR DEFICIENCY. Last evaluated: 1997-05-01. Review status: no assertion criteria provided. Collection method: literature only. Allele origin: germline. Not counted in ClinVar's aggregate classification.

Literature cited by the submitters: PubMed 9158150 (cited by 3 submitters); PubMed 17576681 (cited by Labcorp Genetics (formerly Invitae), Labcorp); PubMed 9536098 (cited by Labcorp Genetics (formerly Invitae), Labcorp).